The following is an entry in ClinVar:

ClinVar aggregate classification (germline): Uncertain significance (1 of 4 stars; one submission).

Submission:

GeneDx
Classification: Uncertain significance. Last evaluated: 2024-03-19. Review status: criteria provided, single submitter. Criteria: GeneDx Variant Classification Process June 2021. Collection method: clinical testing. Allele origin: germline. Affected: yes.
Comment: Not observed at significant frequency in large population cohorts (gnomAD); In silico analysis supports that this missense variant has a deleterious effect on protein structure/function; Has not been previously published as pathogenic or benign to our knowledge

NM_005334.3(HCFC1):c.2945T>C (p.Leu982Pro)

Gene: HCFC1 (host cell factor C1; minus strand). Cytogenetic location: Xq28.
Variant type: single nucleotide variant.
Coding change: c.2945T>C on transcript NM_005334.3 (MANE Select); coding-DNA position 2945, T replaced by C.
Protein change: p.Leu982Pro; replaces leucine 982 with proline.
Molecular consequence: missense variant.
Genome position (GRCh38, 1-based): chrX:153,955,454, A>G on the plus strand (T>C on the coding strand, the complement: HCFC1 is on the minus strand). VCF-style: chrX-153955454-A-G. GRCh37 (hg19) VCF-style: chrX-153220905-A-G.
Other names: c.2945T>C, p.Leu982Pro (NM_001410705.1); short protein forms L982P.
Identifiers: ClinVar variation 2579321 (VCV002579321.2), dbSNP rs2521570151, ClinGen allele CA415126888.
Genomic context (GRCh38, chrX:153,955,454, plus strand): 5'-CCCTGGCCTGAGTCGGCGATGGTAACTGTGGCGGTGGGCTGTTCTGTAGTCGGGGAGGCC[A>G]GAATGGACACAGGGAGGTCATGCACAGGCTGGGCCTCCACCCCACTAGGTGCCGTGATCA-3'
Protein context (NP_005325.2, residues 972-992): QPVHDLPVSI[Leu982Pro]ASPTTEQPTA